The following is an entry in ClinVar:

NM_001127178.3(PIGG):c.14C>A (p.Ser5Tyr)

Gene: PIGG (phosphatidylinositol glycan anchor biosynthesis class G (EMM blood group); plus strand). Cytogenetic location: 4p16.3.
Variant type: single nucleotide variant.
Coding change: c.14C>A on transcript NM_001127178.3 (MANE Select); coding-DNA position 14, C replaced by A.
Protein change: p.Ser5Tyr; replaces serine 5 with tyrosine.
Molecular consequence: missense variant. On other transcripts: 5 prime UTR variant (9), non-coding transcript variant (10), intron variant (1).
Genome position (GRCh38, 1-based): chr4:499,349, C>A. VCF-style: chr4-499349-C-A. GRCh37 (hg19) VCF-style: chr4-493138-C-A.
Other names: c.14C>A, p.Ser5Tyr (NM_001289052.2, NM_001345989.2, NM_017733.5); c.-812C>A (NM_001289053.2); c.-423C>A (NM_001289055.2); c.-490C>A (NM_001289057.2, NM_001345986.2, NM_001345987.2); c.-1110C>A (NM_001345988.2); c.-1612C>A (NM_001345990.2); c.-1710C>A (NM_001345991.2); c.-1435C>A (NM_001345994.2); and 1 more; short protein forms S5Y.
Identifiers: ClinVar variation 1505565 (VCV001505565.6), dbSNP rs2108736193, ClinGen allele CA355888360.

ClinVar aggregate classification (germline): Uncertain significance (1 of 4 stars; one submission).

Conditions:
Intellectual disability, autosomal recessive 53 (NEDHSCA). Also called: GLYCOSYLPHOSPHATIDYLINOSITOL BIOSYNTHESIS DEFECT 13; Mental retardation, autosomal recessive 53; NEURODEVELOPMENTAL DISORDER WITH OR WITHOUT HYPOTONIA, SEIZURES, AND CEREBELLAR ATROPHY. Identifiers: Orphanet 488635, MedGen C4310794, MONDO:0014832, OMIM 616917.

Allele frequency attached by ClinVar (database versions not stated): gnomAD exomes below 0.00001.

Submission:

Labcorp Genetics (formerly Invitae), Labcorp
Classification: Uncertain significance for Intellectual disability, autosomal recessive 53. Last evaluated: 2021-08-23. Review status: criteria provided, single submitter. Criteria: Invitae Variant Classification Sherloc (09022015). Collection method: clinical testing. Allele origin: germline.
Comment: This sequence change replaces serine with tyrosine at codon 5 of the PIGG protein (p.Ser5Tyr). The serine residue is highly conserved and there is a large physicochemical difference between serine and tyrosine. This variant is not present in population databases (ExAC no frequency). This variant has not been reported in the literature in individuals affected with PIGG-related conditions. Algorithms developed to predict the effect of missense changes on protein structure and function are either unavailable or do not agree on the potential impact of this missense change (SIFT: "Tolerated"; PolyPhen-2: "Possibly Damaging"; Align-GVGD: "Class C0"). In summary, the available evidence is currently insufficient to determine the role of this variant in disease. Therefore, it has been classified as a Variant of Uncertain Significance.